The following is an entry in ClinVar:

NM_001283009.2(RTEL1):c.350C>T (p.Ser117Leu)

Genes: RTEL1 (regulator of telomere elongation helicase 1; plus strand), RTEL1-TNFRSF6B (RTEL1-TNFRSF6B readthrough (NMD candidate); plus strand). Cytogenetic location: 20q13.33.
Variant type: single nucleotide variant.
Coding change: c.350C>T on transcript NM_001283009.2 (MANE Select); coding-DNA position 350, C replaced by T.
Protein change: p.Ser117Leu; replaces serine 117 with leucine.
Molecular consequence: missense variant. On other transcripts: non-coding transcript variant (1), 5 prime UTR variant (1).
Genome position (GRCh38, 1-based): chr20:63,661,898, C>T. VCF-style: chr20-63661898-C-T. GRCh37 (hg19) VCF-style: chr20-62293251-C-T.
Other names: c.350C>T (NM_032957.4); c.-320C>T (NM_001283010.1); c.350C>T, p.Ser117Leu (NM_016434.4, NM_032957.5); short protein forms S117L.
Identifiers: ClinVar variation 1037371 (VCV001037371.8), dbSNP rs372278974, ClinGen allele CA317488981.

ClinVar aggregate classification (germline): Uncertain significance. Review status: criteria provided, multiple submitters, no conflicts (2 of 4 stars). 3 submissions from 3 submitters: Uncertain significance (2). 1 of the submissions does not count toward it. Last evaluated 2024-12-31.

Conditions:
Dyskeratosis congenita, autosomal recessive 5 (DKCB5). Identifiers: MedGen C3554656, MONDO:0014076, OMIM 615190.
Pulmonary fibrosis and/or bone marrow failure, Telomere-related, 3. Also called: PULMONARY FIBROSIS AND/OR BONE MARROW FAILURE SYNDROME, TELOMERE-RELATED, 3. Identifiers: Orphanet 2032, MedGen C4225346, MONDO:0014613, OMIM 616373.
Inborn genetic diseases. Identifiers: MedGen C0950123, MeSH D030342.
Dyskeratosis congenita. Identifiers: Orphanet 1775, MedGen C0265965, MONDO:0015780.

Allele frequency attached by ClinVar (database versions not stated): gnomAD exomes below 0.00001 and 0.00003; TOPMed 0.00001; gnomAD 0.00002; ESP Exome Variant Server 0.00008.
gnomAD v4.1: 49 of 1,613,904 alleles (0.003%); highest among the groups gnomAD compares: Non-Finnish European, 0.0037%; no homozygotes.

Submissions (3):

Labcorp Genetics (formerly Invitae), Labcorp
Classification: Uncertain significance for Dyskeratosis congenita, autosomal recessive 5; Pulmonary fibrosis and/or bone marrow failure, Telomere-related, 3. Last evaluated: 2024-12-31. Review status: criteria provided, single submitter. Criteria: Invitae Variant Classification Sherloc (09022015). Collection method: clinical testing. Allele origin: germline.
Comment: This sequence change replaces serine, which is neutral and polar, with leucine, which is neutral and non-polar, at codon 117 of the RTEL1 protein (p.Ser117Leu). This variant is present in population databases (rs372278974, gnomAD 0.003%). This variant has not been reported in the literature in individuals affected with RTEL1-related conditions. ClinVar contains an entry for this variant (Variation ID: 1037371). An algorithm developed to predict the effect of missense changes on protein structure and function (PolyPhen-2) suggests that this variant is likely to be disruptive. In summary, the available evidence is currently insufficient to determine the role of this variant in disease. Therefore, it has been classified as a Variant of Uncertain Significance.

Ambry Genetics
Classification: Uncertain significance for Inborn genetic diseases. Last evaluated: 2021-08-11. Review status: criteria provided, single submitter. Criteria: Ambry Variant Classification Scheme 2023. Collection method: clinical testing. Allele origin: germline.

Natera, Inc.
Classification: Uncertain significance for Dyskeratosis congenita. Last evaluated: 2020-11-04. Review status: no assertion criteria provided. Collection method: clinical testing. Allele origin: germline. Not counted in ClinVar's aggregate classification.